The following is an entry in ClinVar:

ClinVar aggregate classification (germline): Uncertain significance (1 of 4 stars; one submission).

Conditions:
Severe combined immunodeficiency due to IKK2 deficiency. Also called: Immunodeficiency 15; IMMUNODEFICIENCY 15B. Identifiers: Orphanet 397787, MedGen C4747743, MONDO:0014267, OMIM 615592.

gnomAD v4.1: 5 of 1,614,110 alleles (0.00031%); highest among the groups gnomAD compares: African/African-American, 0.0027%; no homozygotes.

Submission:

Labcorp Genetics (formerly Invitae), Labcorp
Classification: Uncertain significance for Severe combined immunodeficiency due to IKK2 deficiency. Last evaluated: 2025-12-22. Review status: criteria provided, single submitter. Criteria: Invitae Variant Classification Sherloc (09022015). Collection method: clinical testing. Allele origin: germline.
Comment: This sequence change replaces serine, which is neutral and polar, with glycine, which is neutral and non-polar, at codon 672 of the IKBKB protein (p.Ser672Gly). This variant is not present in population databases (gnomAD no frequency). This variant has not been reported in the literature in individuals affected with IKBKB-related conditions. Invitae Evidence Modeling of protein sequence and biophysical properties (such as structural, functional, and spatial information, amino acid conservation, physicochemical variation, residue mobility, and thermodynamic stability) indicates that this missense variant is not expected to disrupt IKBKB protein function with a negative predictive value of 95%. In summary, the available evidence is currently insufficient to determine the role of this variant in disease. Therefore, it has been classified as a Variant of Uncertain Significance.

NM_001556.3(IKBKB):c.2014A>G (p.Ser672Gly)

Gene: IKBKB (inhibitor of nuclear factor kappa B kinase subunit beta; plus strand). Cytogenetic location: 8p11.21.
Variant type: single nucleotide variant.
Coding change: c.2014A>G on transcript NM_001556.3 (MANE Select); coding-DNA position 2014, A replaced by G.
Protein change: p.Ser672Gly; replaces serine 672 with glycine.
Molecular consequence: missense variant. On other transcripts: non-coding transcript variant (3).
Genome position (GRCh38, 1-based): chr8:42,325,997, A>G. VCF-style: chr8-42325997-A-G. GRCh37 (hg19) VCF-style: chr8-42183515-A-G.
Other names: c.1822A>G, p.Ser608Gly (NM_001190720.3); c.1837A>G, p.Ser613Gly (NM_001242778.2); short protein forms S613G, S608G, S672G.
Identifiers: ClinVar variation 4754386 (VCV004754386.1).